The following is an entry in ClinVar:

NM_007294.4(BRCA1):c.1978G>T (p.Val660Phe)

Gene: BRCA1 (BRCA1 DNA repair associated; minus strand). Cytogenetic location: 17q21.31.
Variant type: single nucleotide variant.
Coding change: c.1978G>T on transcript NM_007294.4 (MANE Select); coding-DNA position 1978, G replaced by T.
Protein change: p.Val660Phe; replaces valine 660 with phenylalanine.
Molecular consequence: missense variant. On other transcripts: intron variant (137).
Genome position (GRCh38, 1-based): chr17:43,093,553, C>A on the plus strand (G>T on the coding strand, the complement: BRCA1 is on the minus strand). VCF-style: chr17-43093553-C-A. GRCh37 (hg19) VCF-style: chr17-41245570-C-A.
Other names: c.784+1191G>T (NM_001407985.1, NM_001408397.1, NM_001408401.1 and 13 more transcripts); c.548-2521G>T (NM_001408494.1); c.664+1191G>T (NM_001408438.1, NM_001408444.1, NM_001408430.1 and 12 more transcripts); c.1855G>T, p.Val619Phe (NM_001407666.1, NM_001407667.1, NM_001407669.1 and 19 more transcripts); c.670+2293G>T (NM_001408423.1, NM_001408420.1, NM_001408419.1 and 2 more transcripts); c.787+1191G>T (NM_001408404.1, NM_001407980.1, NM_001407993.1 and 19 more transcripts); c.1900G>T, p.Val634Phe (NM_001407663.1, NM_001407653.1, NM_001407654.1 and 4 more transcripts); c.1765G>T, p.Val589Phe (NM_001407571.1, NM_001407853.1, NM_001407894.1 and 9 more transcripts); and 40 more; short protein forms V613F, V660F, V533F, V572F, V618F, V633F, V659F, V657F.
Identifiers: ClinVar variation 820458 (VCV000820458.7), dbSNP rs876660889, ClinGen allele CA10598059.

ClinVar aggregate classification (germline): Conflicting classifications of pathogenicity. Review status: criteria provided, conflicting classifications (1 of 4 stars). 2 submissions from 2 submitters: Uncertain significance (1); Likely benign (1). Last evaluated 2023-03-23.

Conditions:
Hereditary cancer-predisposing syndrome. Also called: Neoplastic Syndromes, Hereditary; Tumor predisposition; Hereditary Cancer Syndrome; Hereditary neoplastic syndrome. Identifiers: Orphanet 140162, MedGen C0027672, MeSH D009386, MONDO:0015356.

Submissions (2):

University of Washington Department of Laboratory Medicine, University of Washington
Classification: Likely benign for Hereditary cancer-predisposing syndrome. Last evaluated: 2023-03-23. Review status: criteria provided, single submitter. Criteria: Dines et al. (Genet Med. 2020). Collection method: curation. Allele origin: germline.
Comment: Missense variant in a coldspot region where missense variants are very unlikely to be pathogenic (PMID:31911673).

BRCA1 coldspot (exon 11 using historical exon numbering). Reclassification based on statistical prior probability

Ambry Genetics
Classification: Uncertain significance for Hereditary cancer-predisposing syndrome. Last evaluated: 2019-12-13. Review status: criteria provided, single submitter. Criteria: Ambry Variant Classification Scheme 2023. Collection method: clinical testing. Allele origin: germline.
Comment: The p.V660F variant (also known as c.1978G>T), located in coding exon 9 of the BRCA1 gene, results from a G to T substitution at nucleotide position 1978. The valine at codon 660 is replaced by phenylalanine, an amino acid with highly similar properties. This amino acid position is not well conserved in available vertebrate species. In addition, the in silico prediction for this alteration is inconclusive. Since supporting evidence is limited at this time, the clinical significance of this alteration remains unclear.